The following is an entry in ClinVar:

NM_001849.4(COL6A2):c.954+3A>G

Gene: COL6A2 (collagen type VI alpha 2 chain; plus strand). Cytogenetic location: 21q22.3.
Variant type: single nucleotide variant.
Coding change: c.954+3A>G on transcript NM_001849.4 (MANE Select); 3 bases into the intron after coding-DNA position 954, A replaced by G.
Molecular consequence: intron variant.
Genome position (GRCh38, 1-based): chr21:46,116,680, A>G. VCF-style: chr21-46116680-A-G. GRCh37 (hg19) VCF-style: chr21-47536594-A-G.
Other names: c.954+3A>G (NM_058175.3, NM_058174.3).
Identifiers: ClinVar variation 1474586 (VCV001474586.6), dbSNP rs2123628260, ClinGen allele CA2573157651.

ClinVar aggregate classification (germline): Uncertain significance (1 of 4 stars; one submission).

Conditions:
Bethlem myopathy 1A. Also called: Bethlem myopathy 1; Bethlem Muscular Dystrophy; MYOPATHY, BENIGN CONGENITAL, WITH CONTRACTURES. Identifiers: Orphanet 610, MedGen CN029274, MONDO:0024530, OMIM 158810.

Submission:

Labcorp Genetics (formerly Invitae), Labcorp
Classification: Uncertain significance for Bethlem myopathy 1A. Last evaluated: 2021-04-28. Review status: criteria provided, single submitter. Criteria: Invitae Variant Classification Sherloc (09022015). Collection method: clinical testing. Allele origin: germline.
Comment: In summary, the available evidence is currently insufficient to determine the role of this variant in disease. Therefore, it has been classified as a Variant of Uncertain Significance. Nucleotide substitutions within the consensus splice site are a relatively common cause of aberrant splicing (PMID: 17576681, 9536098). Algorithms developed to predict the effect of sequence changes on RNA splicing suggest that this variant may disrupt the consensus splice site, but this prediction has not been confirmed by published transcriptional studies. This variant has not been reported in the literature in individuals with COL6A2-related conditions. This variant is not present in population databases (ExAC no frequency). This sequence change falls in intron 9 of the COL6A2 gene. It does not directly change the encoded amino acid sequence of the COL6A2 protein. It affects a nucleotide within the consensus splice site of the intron.

Literature cited by the submitters: PubMed 17576681; PubMed 9536098.